The following is an entry in ClinVar:

NM_006258.4(PRKG1):c.865C>G (p.Pro289Ala)

Gene: PRKG1 (protein kinase cGMP-dependent 1; plus strand). Cytogenetic location: 10q21.1.
Variant type: single nucleotide variant.
Coding change: c.865C>G on transcript NM_006258.4 (MANE Select); coding-DNA position 865, C replaced by G.
Protein change: p.Pro289Ala; replaces proline 289 with alanine.
Molecular consequence: missense variant. On other transcripts: 5 prime UTR variant (1).
Genome position (GRCh38, 1-based): chr10:52,062,561, C>G. VCF-style: chr10-52062561-C-G. GRCh37 (hg19) VCF-style: chr10-53822321-C-G.
Other names: c.820C>G, p.Pro274Ala (NM_001098512.3); c.-345C>G (NM_001374781.1); c.865C>G, p.Pro289Ala (NM_001374782.1); short protein forms P274A, P289A.
Identifiers: ClinVar variation 2565421 (VCV002565421.2), dbSNP rs1846261881, ClinGen allele CA376534019.

ClinVar aggregate classification (germline): Uncertain significance (1 of 4 stars; one submission).

Conditions:
Familial thoracic aortic aneurysm and aortic dissection (TAAD). Also called: Thoracic aortic aneurysms and dissections. Identifiers: Orphanet 91387, MedGen C4707243, MONDO:0019625.

Submission:

Ambry Genetics
Classification: Uncertain significance for Familial thoracic aortic aneurysm and aortic dissection. Last evaluated: 2023-05-21. Review status: criteria provided, single submitter. Criteria: Ambry Variant Classification Scheme 2023. Collection method: clinical testing. Allele origin: germline.
Comment: The p.P289A variant (also known as c.865C>G), located in coding exon 7 of the PRKG1 gene, results from a C to G substitution at nucleotide position 865. The proline at codon 289 is replaced by alanine, an amino acid with highly similar properties. This amino acid position is conserved. In addition, the in silico prediction for this alteration is inconclusive. Since supporting evidence is limited at this time, the clinical significance of this alteration remains unclear.